The following is an entry in ClinVar:

NM_003120.3(SPI1):c.722T>G (p.Val241Gly)

Gene: SPI1 (Spi-1 proto-oncogene; minus strand). Cytogenetic location: 11p11.2.
Variant type: single nucleotide variant.
Coding change: c.722T>G on transcript NM_003120.3 (MANE Select); coding-DNA position 722, T replaced by G.
Protein change: p.Val241Gly; replaces valine 241 with glycine.
Molecular consequence: missense variant.
Genome position (GRCh38, 1-based): chr11:47,355,318, A>C on the plus strand (T>G on the coding strand, the complement: SPI1 is on the minus strand). VCF-style: chr11-47355318-A-C. GRCh37 (hg19) VCF-style: chr11-47376869-A-C.
Other names: c.725T>G, p.Val242Gly (NM_001080547.2); short protein forms V242G, V241G.
Identifiers: ClinVar variation 801321 (VCV000801321.3), dbSNP rs2095906404, ClinGen allele CA380344313.

ClinVar aggregate classification (germline): Likely pathogenic. Review status: criteria provided, single submitter (1 of 4 stars). 3 submissions from 2 submitters: Likely pathogenic (1). 2 of the submissions do not count toward it. Last evaluated 2022-06-22.

Conditions:
PU.1-mutated agammaglobulinemia.
Agammaglobulinemia. Identifiers: Orphanet 183669, MedGen C0001768, MeSH D000361, MONDO:0015977, HP:0004432.
Agammaglobulinemia 10, autosomal dominant (AGM10). Also called: AGAMMAGLOBULINEMIA, AUTOSOMAL DOMINANT, DUE TO SPI1 DEFECT. Identifiers: MedGen C5676900, MONDO:0030529, OMIM 619707.

Submissions (3):

SIB Swiss Institute of Bioinformatics
Classification: Likely pathogenic for Agammaglobulinemia 10, autosomal dominant. Last evaluated: 2022-06-22. Review status: criteria provided, single submitter. Criteria: ACMG Guidelines, 2015. Collection method: curation. Allele origin: unknown.
Comment: This variant is interpreted as likely pathogenic for Agammaglobulinemia 10, autosomal dominant. The following ACMG Tag(s) were applied: Absent from controls (or at extremely low frequency if recessive) in Exome Sequencing Project, 1000 Genomes Project, or Exome Aggregation Consortium (PM2); Assumed de novo, but without confirmation of paternity and maternity (PM6); Multiple lines of computational evidence support a deleterious effect on the gene or gene product (PP3); Well-established functional studies show a deleterious effect (PS3).

Neil Romberg Laboratory, Children's Hospital of Philadelphia
Classification: Pathogenic for Agammaglobulinemia. Last evaluated: 2024-08-28. Review status: no assertion criteria provided. Collection method: research. Allele origin: germline. Affected: yes. Not counted in ClinVar's aggregate classification.

Neil Romberg Laboratory, Children's Hospital of Philadelphia
Classification: Pathogenic for PU.1-mutated agammaglobulinemia. Last evaluated: 2019-12-10. Review status: no assertion criteria provided. Collection method: research. Allele origin: unknown. Affected: yes. Not counted in ClinVar's aggregate classification.

Literature cited by the submitters: PubMed 33951726 (cited by SIB Swiss Institute of Bioinformatics).